The following is an entry in ClinVar:

NM_001039591.3(USP9X):c.443TTA[1] (p.Ile149del)

Gene: USP9X (ubiquitin specific peptidase 9 X-linked; plus strand). Cytogenetic location: Xp11.4.
Variant type: Microsatellite.
Coding change: c.443TTA[1] on transcript NM_001039591.3 (MANE Select); one copy of the 3-base unit TTA starting at c.443; the reference has two copies in a row; one copy, 3 bases deleted.
Protein change: p.Ile149del; deletes isoleucine 149.
Genome position (GRCh38, 1-based): chrX:41,136,814-41,136,816, TTA deleted; deleting any 3 consecutive bases within chrX:41,136,809-41,136,816 gives the same sequence; the position shown is the placement nearest the transcript's 3' end. VCF-style (leftmost placement, unchanged base first): chrX-41136808-GTAT-G. GRCh37 (hg19) VCF-style: chrX-40996061-GTAT-G.
Other names: c.443TTA[1], p.Ile149del (NM_001039590.3, NM_001410748.1, NM_001410749.1 and 1 more transcripts); short protein forms I149del.
Identifiers: ClinVar variation 4527584 (VCV004527584.1).

ClinVar aggregate classification (germline): Uncertain significance (1 of 4 stars; one submission).

Submission:

GeneDx
Classification: Uncertain significance. Last evaluated: 2025-05-01. Review status: criteria provided, single submitter. Criteria: GeneDx Variant Classification Process June 2021. Collection method: clinical testing. Allele origin: germline. Affected: yes.
Comment: Not observed at significant frequency in large population cohorts (gnomAD); In-frame deletion of 1 amino acid(s) in a non-repeat region; In silico analysis supports a deleterious effect on protein structure/function; Has not been previously published as pathogenic or benign to our knowledge